The following is an entry in ClinVar:

NM_001375405.1(CEP120):c.2014-2A>G

Gene: CEP120 (centrosomal protein 120; minus strand). Cytogenetic location: 5q23.2.
Variant type: single nucleotide variant.
Coding change: c.2014-2A>G on transcript NM_001375405.1 (MANE Select); the canonical splice acceptor site of the intron before coding-DNA position 2014, A replaced by G.
Molecular consequence: splice acceptor variant.
Genome position (GRCh38, 1-based): chr5:123,382,202, T>C on the plus strand (A>G on the coding strand, the complement: CEP120 is on the minus strand). VCF-style: chr5-123382202-T-C. GRCh37 (hg19) VCF-style: chr5-122717896-T-C.
Other names: c.1936-2A>G (NM_001166226.2); c.2014-2A>G (NM_153223.4, NM_001375407.1); c.1441-2A>G (NM_001375408.1, NM_001375409.1); c.1879-2A>G (NM_001375406.1).
Identifiers: ClinVar variation 2142446 (VCV002142446.4), dbSNP rs2479298976, ClinGen allele CA360900194.

ClinVar aggregate classification (germline): Likely pathogenic (1 of 4 stars; one submission).

Conditions:
Short-rib thoracic dysplasia 13 with or without polydactyly (SRTD13). Identifiers: Orphanet 474, MedGen C4225378, MONDO:0014577, OMIM 616300.

Allele frequency attached by ClinVar (database versions not stated): gnomAD exomes below 0.00001.
gnomAD v4.1: 1 of 1,594,520 alleles (0.000063%); highest among the groups gnomAD compares: Non-Finnish European, 0.000085%; no homozygotes.

Submission:

Labcorp Genetics (formerly Invitae), Labcorp
Classification: Likely pathogenic for Short-rib thoracic dysplasia 13 with or without polydactyly. Last evaluated: 2022-04-06. Review status: criteria provided, single submitter. Criteria: Invitae Variant Classification Sherloc (09022015). Collection method: clinical testing. Allele origin: germline.
Comment: In summary, the currently available evidence indicates that the variant is pathogenic, but additional data are needed to prove that conclusively. Therefore, this variant has been classified as Likely Pathogenic. Algorithms developed to predict the effect of sequence changes on RNA splicing suggest that this variant may disrupt the consensus splice site. This variant has not been reported in the literature in individuals affected with CEP120-related conditions. This variant is not present in population databases (gnomAD no frequency). This sequence change affects an acceptor splice site in intron 14 of the CEP120 gene. It is expected to disrupt RNA splicing. Variants that disrupt the donor or acceptor splice site typically lead to a loss of protein function (PMID: 16199547), and loss-of-function variants in CEP120 are known to be pathogenic (PMID: 25251415, 27208211).

Literature cited by the submitters: PubMed 16199547; PubMed 25251415; PubMed 27208211.